The following is an entry in ClinVar:

NM_000350.3(ABCA4):c.5942C>G (p.Thr1981Arg)

Gene: ABCA4 (ATP binding cassette subfamily A member 4; minus strand). Cytogenetic location: 1p22.1.
Variant type: single nucleotide variant.
Coding change: c.5942C>G on transcript NM_000350.3 (MANE Select); coding-DNA position 5942, C replaced by G.
Protein change: p.Thr1981Arg; replaces threonine 1981 with arginine.
Molecular consequence: missense variant.
Genome position (GRCh38, 1-based): chr1:94,007,697, G>C on the plus strand (C>G on the coding strand, the complement: ABCA4 is on the minus strand). VCF-style: chr1-94007697-G-C. GRCh37 (hg19) VCF-style: chr1-94473253-G-C.
Other names: c.5720C>G, p.Thr1907Arg (NM_001425324.1); short protein forms T1981R, T1907R.
Identifiers: ClinVar variation 236142 (VCV000236142.7), dbSNP rs752147871, ClinGen allele CA10602412.

ClinVar aggregate classification (germline): Likely pathogenic. Review status: criteria provided, multiple submitters, no conflicts (2 of 4 stars). 4 submissions from 3 submitters: Likely pathogenic (4). Last evaluated 2021-01-30.

Conditions:
Retinal dystrophy. Also called: Inherited retinal dystrophy. Identifiers: Orphanet 71862, MedGen C0854723, MeSH D058499, MONDO:0019118, HP:0000556.
Severe early-childhood-onset retinal dystrophy (STGD1). Also called: Stargardt macular dystrophy; Juvenile onset macular degeneration; Stargardt disease 1; STGD; MACULAR DYSTROPHY WITH FLECKS, TYPE 1. Identifiers: Orphanet 364055, Orphanet 827, MedGen C1855465, MeSH D000080362, MONDO:0009549, OMIM 248200.
Age related macular degeneration 2. Also called: MACULOPATHY, AGE-RELATED; MACULAR DEGENERATION, SENILE; MACULOPATHY, AGE-RELATED, 2. Identifiers: MedGen C3495438, MONDO:0007932, OMIM 153800.

Submissions (4):

Institute of Medical Molecular Genetics, University of Zurich
Classification: Likely pathogenic for Severe early-childhood-onset retinal dystrophy. Last evaluated: 2021-01-30. Review status: criteria provided, single submitter. Criteria: ACMG Guidelines, 2015. Collection method: clinical testing. Allele origin: unknown. Affected: yes.

Centre for Mendelian Genomics, University Medical Centre Ljubljana
Classification: Likely pathogenic for Age related macular degeneration 2. Last evaluated: 2016-01-01. Review status: criteria provided, single submitter. Criteria: ACMG Guidelines, 2015. Collection method: clinical testing. Allele origin: unknown. Affected: yes.
Comment: This variant was classified as: Likely pathogenic. The following ACMG criteria were applied in classifying this variant: PM1,PM2,PP2,PP3,PP5.

Institute of Human Genetics, Univ. Regensburg, Univ. Regensburg
Classification: Likely pathogenic for Severe early-childhood-onset retinal dystrophy. Last evaluated: 2016-01-01. Review status: criteria provided, single submitter. Criteria: Schulz et al. (Invest Ophthalmol Vis Sci. 2017). Collection method: clinical testing. Allele origin: germline. Affected: yes. Observed: 1 heterozygote.

Institute of Human Genetics, Univ. Regensburg, Univ. Regensburg
Classification: Likely pathogenic for Retinal dystrophy. Last evaluated: 2014-01-01. Review status: criteria provided, single submitter. Criteria: ACMG Guidelines, 2015. Collection method: clinical testing. Allele origin: germline. Affected: yes.

Literature cited by the submitters: PubMed 28118664 (cited by Institute of Human Genetics, Univ. Regensburg, Univ. Regensburg); PubMed 35260635 (cited by Institute of Human Genetics, Univ. Regensburg, Univ. Regensburg); PubMed 36460718 (cited by Institute of Human Genetics, Univ. Regensburg, Univ. Regensburg).